The following is an entry in ClinVar:

NM_001267550.2(TTN):c.33126C>T (p.Val11042=)

Gene: TTN (titin; minus strand). Cytogenetic location: 2q31.2.
Variant type: single nucleotide variant.
Coding change: c.33126C>T on transcript NM_001267550.2 (MANE Select); coding-DNA position 33126, C replaced by T.
Protein change: p.Val11042=; no amino-acid change (valine 11042 retained).
Molecular consequence: synonymous variant. On other transcripts: intron variant (3).
Genome position (GRCh38, 1-based): chr2:178,681,707, G>A on the plus strand (C>T on the coding strand, the complement: TTN is on the minus strand). VCF-style: chr2-178681707-G-A. GRCh37 (hg19) VCF-style: chr2-179546434-G-A.
Other names: c.32175C>T, p.Val10725= (NM_001256850.1); c.29394C>T, p.Val9798= (NM_133378.4); c.13283-39390C>T (NM_003319.4); c.13859-39390C>T (NM_133437.4); c.13658-39390C>T (NM_133432.3).
Identifiers: ClinVar variation 378811 (VCV000378811.42), dbSNP rs72650036, ClinGen allele CA1998448.
Genomic context (GRCh38, chr2:178,681,707, plus strand): 5'-TTTTTTCACTCTACCTTTAGCCGGTGGGGCCTTTGGTTTTGTGGGAACTGGTTCTTCTGG[G>A]ACAGGCTTTACAGGGATAGGCTTCTCTGGTTCTTTAAAAGTACATACAAGGTATTTCATG-3'
Protein context (NP_001254479.2, residues 11032-11052): EPEKPIPVKP[Val11042=]PEEPVPTKPK

ClinVar aggregate classification (germline): Conflicting classifications of pathogenicity. Review status: criteria provided, conflicting classifications (1 of 4 stars). 13 submissions from 9 submitters: Uncertain significance (3); Benign (1); Likely benign (7). 2 of the submissions do not count toward it. Last evaluated 2026-08-10.

Conditions:
TTN-related disorder. Also called: TTN-related condition; TTN-related disease; TTN-related disorders.
Tibial muscular dystrophy (TMD). Also called: UDD MYOPATHY; Udd Distal Myopathy – Tibial Muscular Dystrophy; Tibial muscular dystrophy, tardive. Identifiers: Orphanet 609, MedGen C1838244, MONDO:0010870, OMIM 600334.
Dilated cardiomyopathy 1G (CMD1G). Identifiers: Orphanet 154, MedGen C1858763, MONDO:0011400, OMIM 604145.
Autosomal recessive limb-girdle muscular dystrophy type 2J (LGMDR10). Also called: MUSCULAR DYSTROPHY, LIMB-GIRDLE, AUTOSOMAL RECESSIVE 10; Limb-girdle muscular dystrophy, type 2J. Identifiers: Orphanet 140922, MedGen C1837342, MONDO:0012127, OMIM 608807.
Early-onset myopathy with fatal cardiomyopathy (CMYO5). Also called: CONGENITAL MYOPATHY 5 WITH CARDIOMYOPATHY; Salih Myopathy. Identifiers: Orphanet 289377, MedGen C2673677, MONDO:0012714, OMIM 611705. Disease mechanism: loss of function.
Myopathy, myofibrillar, 9, with early respiratory failure (MFM9). Also called: Hereditary myopathy with early respiratory failure; MYOPATHY, PROXIMAL, WITH EARLY RESPIRATORY MUSCLE INVOLVEMENT; Myopathy, distal, with early respiratory failure, autosomal dominant; EDSTROM MYOPATHY. Identifiers: Orphanet 178464, Orphanet 34521, MedGen C1863599, MONDO:0011362, OMIM 603689.

Allele frequency attached by ClinVar (database versions not stated): gnomAD 0.00002; TOPMed 0.00002; ExAC 0.00004; ESP Exome Variant Server 0.00008.
gnomAD v4.1: 44 of 1,605,028 alleles (0.0027%); highest among the groups gnomAD compares: Middle Eastern, 0.12%; no homozygotes.

Submissions (13):

PreventionGenetics, part of Exact Sciences
Classification: Likely benign for TTN-related condition. Last evaluated: 2026-08-10. Review status: criteria provided, single submitter. Criteria: ACMG Guidelines, 2015. Collection method: clinical testing. Allele origin: germline.
Comment: This variant is classified as likely benign based on ACMG/AMP sequence variant interpretation guidelines (Richards et al. 2015 PMID: 25741868, with internal and published modifications).

Labcorp Genetics (formerly Invitae), Labcorp
Classification: Likely benign for Dilated cardiomyopathy 1G; Autosomal recessive limb-girdle muscular dystrophy type 2J. Last evaluated: 2025-12-19. Review status: criteria provided, single submitter. Criteria: Invitae Variant Classification Sherloc (09022015). Collection method: clinical testing. Allele origin: germline.

Molecular Diagnostic Laboratory for Inherited Cardiovascular Disease, Montreal Heart Institute
Classification: Likely benign. Last evaluated: 2025-04-09. Review status: criteria provided, single submitter. Criteria: ACMG Guidelines, 2015. Collection method: clinical testing. Allele origin: germline. Affected: no.

CeGaT Center for Human Genetics Tuebingen
Classification: Likely benign. Last evaluated: 2025-01-01. Review status: criteria provided, single submitter. Criteria: CeGaT Center For Human Genetics Tuebingen Variant Classification Criteria Version 2. Collection method: clinical testing. Allele origin: germline. Affected: yes. Observed: 3 variant alleles.
Comment: TTN: BP4, BP7

Blueprint Genetics
Classification: Likely benign. Last evaluated: 2023-09-11. Review status: criteria provided, single submitter. Criteria: ACMG Guidelines, 2015. Collection method: clinical testing. Allele origin: germline.

Illumina Laboratory Services, Illumina
Classification: Uncertain significance for Early-onset myopathy with fatal cardiomyopathy. Last evaluated: 2018-01-12. Review status: criteria provided, single submitter. Criteria: ICSL Variant Classification Criteria 13 December 2019. Collection method: clinical testing. Allele origin: germline.

Illumina Laboratory Services, Illumina
Classification: Uncertain significance for Autosomal recessive limb-girdle muscular dystrophy type 2J. Last evaluated: 2018-01-12. Review status: criteria provided, single submitter. Criteria: ICSL Variant Classification Criteria 13 December 2019. Collection method: clinical testing. Allele origin: germline.

Illumina Laboratory Services, Illumina
Classification: Likely benign for Myopathy, myofibrillar, 9, with early respiratory failure. Last evaluated: 2018-01-12. Review status: criteria provided, single submitter. Criteria: ICSL Variant Classification Criteria 13 December 2019. Collection method: clinical testing. Allele origin: germline.
Comment: This variant was observed in the ICSL laboratory as part of a predisposition screen in an ostensibly healthy population. It had not been previously curated by ICSL or reported in the Human Gene Mutation Database (HGMD: prior to June 1st, 2018), and was therefore a candidate for classification through an automated scoring system. Utilizing variant allele frequency, disease prevalence and penetrance estimates, and inheritance mode, an automated score was calculated to assess if this variant is too frequent to cause the disease. Based on the score and internal cut-off values, a variant classified as likely benign is not then subjected to further curation. The score for this variant resulted in a classification of likely benign for this disease.

Illumina Laboratory Services, Illumina
Classification: Benign for Tibial muscular dystrophy. Last evaluated: 2018-01-12. Review status: criteria provided, single submitter. Criteria: ICSL Variant Classification Criteria 13 December 2019. Collection method: clinical testing. Allele origin: germline.
Comment: This variant was observed in the ICSL laboratory as part of a predisposition screen in an ostensibly healthy population. It had not been previously curated by ICSL or reported in the Human Gene Mutation Database (HGMD: prior to June 1st, 2018), and was therefore a candidate for classification through an automated scoring system. Utilizing variant allele frequency, disease prevalence and penetrance estimates, and inheritance mode, an automated score was calculated to assess if this variant is too frequent to cause the disease. Based on the score and internal cut-off values, a variant classified as benign is not then subjected to further curation. The score for this variant resulted in a classification of benign for this disease.

Illumina Laboratory Services, Illumina
Classification: Uncertain significance for Dilated cardiomyopathy 1G. Last evaluated: 2018-01-12. Review status: criteria provided, single submitter. Criteria: ICSL Variant Classification Criteria 13 December 2019. Collection method: clinical testing. Allele origin: germline.

GeneDx
Classification: Likely benign. Last evaluated: 2017-04-28. Review status: criteria provided, single submitter. Criteria: GeneDx Variant Classification (06012015). Collection method: clinical testing. Allele origin: germline. Affected: yes.
Comment: This variant is considered likely benign or benign based on one or more of the following criteria: it is a conservative change, it occurs at a poorly conserved position in the protein, it is predicted to be benign by multiple in silico algorithms, and/or has population frequency not consistent with disease.

Clinical Genetics DNA and cytogenetics Diagnostics Lab, Erasmus MC, Erasmus Medical Center
Classification: Likely benign. Review status: no assertion criteria provided. Collection method: clinical testing. Allele origin: germline. Affected: yes. Study: VKGL Data-share Consensus. Not counted in ClinVar's aggregate classification.

Joint Genome Diagnostic Labs from Nijmegen and Maastricht, Radboudumc and MUMC+
Classification: Likely benign. Review status: no assertion criteria provided. Collection method: clinical testing. Allele origin: germline. Affected: yes. Study: VKGL Data-share Consensus. Not counted in ClinVar's aggregate classification.